The following is an entry in ClinVar:

ClinVar aggregate classification (germline): Conflicting classifications of pathogenicity. Review status: criteria provided, conflicting classifications (1 of 4 stars). 6 submissions from 6 submitters: Uncertain significance (5); Likely benign (1). Last evaluated 2025-10-30.

Conditions:
Inborn genetic diseases. Identifiers: MedGen C0950123, MeSH D030342.
Nephrotic syndrome, type 3 (NPHS3). Also called: NEPHROTIC SYNDROME, EARLY-ONSET, TYPE 3. Identifiers: Orphanet 656, MedGen C1853124, MONDO:0012546, OMIM 610725.

Allele frequency attached by ClinVar (database versions not stated): gnomAD 0.00006 and 0.00009; TOPMed 0.00007; ESP Exome Variant Server 0.00008; gnomAD exomes 0.00011; ExAC 0.00012; 1000 Genomes Project 30x 0.00062; 1000 Genomes Project 0.00080.
gnomAD v4.1: 120 of 1,614,154 alleles (0.0074%); highest among the groups gnomAD compares: Middle Eastern, 0.033%; no homozygotes.

Submissions (6):

Ambry Genetics
Classification: Uncertain significance for Inborn genetic diseases. Last evaluated: 2025-10-30. Review status: criteria provided, single submitter. Criteria: Ambry Variant Classification Scheme 2023. Collection method: clinical testing. Allele origin: germline.

Labcorp Genetics (formerly Invitae), Labcorp
Classification: Uncertain significance. Last evaluated: 2025-06-12. Review status: criteria provided, single submitter. Criteria: Invitae Variant Classification Sherloc (09022015). Collection method: clinical testing. Allele origin: germline.
Comment: This sequence change replaces serine, which is neutral and polar, with phenylalanine, which is neutral and non-polar, at codon 1173 of the PLCE1 protein (p.Ser1173Phe). This variant is present in population databases (rs180753337, gnomAD 0.01%). This variant has not been reported in the literature in individuals affected with PLCE1-related conditions. ClinVar contains an entry for this variant (Variation ID: 586320). Invitae Evidence Modeling of protein sequence and biophysical properties (such as structural, functional, and spatial information, amino acid conservation, physicochemical variation, residue mobility, and thermodynamic stability) indicates that this missense variant is expected to disrupt PLCE1 protein function with a positive predictive value of 80%. In summary, the available evidence is currently insufficient to determine the role of this variant in disease. Therefore, it has been classified as a Variant of Uncertain Significance.

Laboratory of Genetics, Children's Clinical University Hospital Latvia
Classification: Likely benign. Last evaluated: 2025-02-16. Review status: criteria provided, single submitter. Criteria: ACMG Guidelines, 2015. Collection method: clinical testing. Allele origin: germline. Affected: yes.

Fulgent Genetics
Classification: Uncertain significance for Nephrotic syndrome, type 3. Last evaluated: 2021-08-02. Review status: criteria provided, single submitter. Criteria: ACMG Guidelines, 2015. Collection method: clinical testing. Allele origin: unknown.

GeneDx
Classification: Uncertain significance. Last evaluated: 2021-04-15. Review status: criteria provided, single submitter. Criteria: GeneDx Variant Classification Process June 2021. Collection method: clinical testing. Allele origin: germline. Affected: yes.
Comment: In silico analysis supports that this missense variant has a deleterious effect on protein structure/function; Observed on the same allele (in cis) with a second variant in a patient with focal segmental glomerulosclerosis in published literature (Lowik et al., 2008); This variant is associated with the following publications: (PMID: 18443213)

Athena Diagnostics
Classification: Uncertain significance. Last evaluated: 2018-08-06. Review status: criteria provided, single submitter. Criteria: Athena Diagnostics Criteria. Collection method: clinical testing. Allele origin: germline.

NM_016341.4(PLCE1):c.3518C>T (p.Ser1173Phe)

Gene: PLCE1 (phospholipase C epsilon 1; plus strand). Cytogenetic location: 10q23.33.
Variant type: single nucleotide variant.
Coding change: c.3518C>T on transcript NM_016341.4 (MANE Select); coding-DNA position 3518, C replaced by T.
Protein change: p.Ser1173Phe; replaces serine 1173 with phenylalanine.
Molecular consequence: missense variant. On other transcripts: intron variant (1).
Genome position (GRCh38, 1-based): chr10:94,255,013, C>T. VCF-style: chr10-94255013-C-T. GRCh37 (hg19) VCF-style: chr10-96014770-C-T.
Other names: c.2594C>T, p.Ser865Phe (NM_001165979.2); c.3506+12C>T (NM_001288989.2); short protein forms S1173F, S865F.
Identifiers: ClinVar variation 586320 (VCV000586320.13), dbSNP rs180753337, ClinGen allele CA5612896.